The following is an entry in ClinVar:

ClinVar aggregate classification (germline): Uncertain significance. Review status: criteria provided, multiple submitters, no conflicts (2 of 4 stars). 2 submissions from 2 submitters: Uncertain significance (2). Last evaluated 2026-04-16.

Conditions:
Mayer-Rokitansky-Küster-Hauser syndrome type 2. Also called: MULLERIAN DUCT APLASIA, UNILATERAL RENAL AGENESIS, AND CERVICOTHORACIC SOMITE ANOMALIES; KLIPPEL-FEIL DEFORMITY, CONDUCTIVE DEAFNESS, AND ABSENT VAGINA; MAYER-ROKITANSKY-KUSTER-HAUSER SYNDROME, TYPE II; MRKH, TYPE II. Identifiers: Orphanet 2578, Orphanet 3109, MedGen C4305568, MONDO:0010989, OMIM 601076.

Allele frequency attached by ClinVar (database versions not stated): gnomAD 0.00001; gnomAD exomes below 0.00001; TOPMed 0.00001.
gnomAD v4.1: 4 of 1,551,564 alleles (0.00026%); highest among the groups gnomAD compares: Non-Finnish European, 0.00035%; no homozygotes.

Submissions (2):

GeneDx
Classification: Uncertain significance. Last evaluated: 2026-04-16. Review status: criteria provided, single submitter. Criteria: GeneDx Variant Classification Process June 2021. Collection method: clinical testing. Allele origin: germline.
Comment: Reported in a patient with Mayer-Rokitansky-Kuster-Hauser syndrome in published literature (PMID: 37124138); In silico analysis suggests that this missense variant does not alter protein structure/function; Not observed at significant frequency in large population cohorts (gnomAD); This variant is associated with the following publications: (PMID: 37124138)

Lupski Lab, Baylor-Hopkins CMG, Baylor College of Medicine
Classification: Uncertain significance for Mayer-Rokitansky-Küster-Hauser syndrome type 2. Last evaluated: 2023-03-13. Review status: criteria provided, single submitter. Criteria: ACMG Guidelines, 2015. Collection method: research. Allele origin: unknown. Affected: yes. Observed: 1 variant allele.

NM_001142966.3(GREB1L):c.1558G>A (p.Asp520Asn)

Genes: GREB1L (GREB1 like retinoic acid receptor coactivator; plus strand), GREB1L-AS1 (GREB1L antisense RNA 1; minus strand). Cytogenetic location: 18q11.1.
Variant type: single nucleotide variant.
Coding change: c.1558G>A on transcript NM_001142966.3 (MANE Select); coding-DNA position 1558, G replaced by A.
Protein change: p.Asp520Asn; replaces aspartic acid 520 with asparagine.
Molecular consequence: missense variant.
Genome position (GRCh38, 1-based): chr18:21,449,674, G>A. VCF-style: chr18-21449674-G-A. GRCh37 (hg19) VCF-style: chr18-19029635-G-A.
Other names: c.1558G>A (NM_001142966.1); c.1687G>A, p.Asp563Asn (NM_001410867.1); short protein forms D520N, D563N.
Identifiers: ClinVar variation 2444486 (VCV002444486.2), dbSNP rs1474031482, ClinGen allele CA401732881.